The following is an entry in ClinVar:

ClinVar aggregate classification (germline): Likely benign. Review status: criteria provided, multiple submitters, no conflicts (2 of 4 stars). 5 submissions from 5 submitters: Likely benign (5). Last evaluated 2025-08-02.

Conditions:
Hereditary cancer-predisposing syndrome. Also called: Neoplastic Syndromes, Hereditary; Hereditary Cancer Syndrome; Tumor predisposition; Hereditary neoplastic syndrome. Identifiers: Orphanet 140162, MedGen C0027672, MeSH D009386, MONDO:0015356.
Ataxia-telangiectasia syndrome (AT). Also called: LOUIS-BAR SYNDROME; Cerebello-oculocutaneous telangiectasia; Immunodeficiency with ataxia telangiectasia; Ataxia-telangiectasia, complementation group D; AT, COMPLEMENTATION GROUP C; Ataxia-telangiectasia, complementation group E. Identifiers: Orphanet 100, MedGen C0004135, MONDO:0008840, OMIM 208900.
Familial cancer of breast. Also called: Hereditary breast cancer; BREAST CANCER, FAMILIAL; hereditary breast carcinoma. Identifiers: Orphanet 227535, MedGen C0346153, MONDO:0016419, OMIM 114480. Disease mechanism: loss of function.

Allele frequency attached by ClinVar (database versions not stated): gnomAD exomes below 0.00001 and 0.00001.
gnomAD v4.1: 11 of 1,612,954 alleles (0.00068%); highest among the groups gnomAD compares: East Asian, 0.0022%; no homozygotes.

Submissions (5):

Labcorp Genetics (formerly Invitae), Labcorp
Classification: Likely benign for Ataxia-telangiectasia syndrome. Last evaluated: 2025-08-02. Review status: criteria provided, single submitter. Criteria: Invitae Variant Classification Sherloc (09022015). Collection method: clinical testing. Allele origin: germline.

Myriad Genetics, Inc.
Classification: Likely benign for Familial cancer of breast. Last evaluated: 2024-06-21. Review status: criteria provided, single submitter. Criteria: Myriad Autosomal Dominant, Autosomal Recessive and X-Linked Classification Criteria (2023). Collection method: clinical testing. Allele origin: unknown.
Comment: This variant is considered likely benign. This variant is intronic and is not expected to impact mRNA splicing.

Ambry Genetics
Classification: Likely benign for Hereditary cancer-predisposing syndrome. Last evaluated: 2022-06-07. Review status: criteria provided, single submitter. Criteria: Ambry Variant Classification Scheme 2023. Collection method: clinical testing. Allele origin: germline.

GeneDx
Classification: Likely benign. Last evaluated: 2017-11-17. Review status: criteria provided, single submitter. Criteria: GeneDx Variant Classification (06012015). Collection method: clinical testing. Allele origin: germline. Affected: yes.
Comment: This variant is considered likely benign or benign based on one or more of the following criteria: it is a conservative change, it occurs at a poorly conserved position in the protein, it is predicted to be benign by multiple in silico algorithms, and/or has population frequency not consistent with disease.

Color Diagnostics, LLC DBA Color Health
Classification: Likely benign for Hereditary cancer-predisposing syndrome. Last evaluated: 2016-05-10. Review status: criteria provided, single submitter. Criteria: ACMG Guidelines, 2015. Collection method: clinical testing. Allele origin: germline.

NM_000051.4(ATM):c.8787-5T>C

Genes: ATM (ATM serine/threonine kinase; plus strand), C11orf65 (chromosome 11 open reading frame 65; minus strand). Cytogenetic location: 11q22.3.
Variant type: single nucleotide variant.
Coding change: c.8787-5T>C on transcript NM_000051.4 (MANE Select); 5 bases into the intron before coding-DNA position 8787, T replaced by C.
Molecular consequence: intron variant.
Genome position (GRCh38, 1-based): chr11:108,354,806, T>C. VCF-style: chr11-108354806-T-C. GRCh37 (hg19) VCF-style: chr11-108225533-T-C.
Other names: c.8787-5T>C (NM_001351834.2); c.640+31114A>G (NM_001330368.2); c.695-19514A>G (NM_001351110.2).
Identifiers: ClinVar variation 453748 (VCV000453748.20), dbSNP rs1479499265, ClinGen allele CA601699232.
Genomic context (GRCh38, chr11:108,354,806, plus strand): 5'-GATAAAGATACGTTGACAACATTGGTGTGTAACAAAATCCGTATTTATAATGTGTTTGAC[T>C]CTAGATGCTGTGAGAAAACCATGGAAGTGATGAGAAACTCTCAGGAAACTCTGTTAACCA-3'